The following is an entry in ClinVar:

ClinVar aggregate classification (germline): Uncertain significance (1 of 4 stars; one submission).

Conditions:
Charcot-Marie-Tooth Neuropathy X. Identifiers: MedGen CN118851.
Combined oxidative phosphorylation deficiency. Identifiers: MedGen C4540031, MONDO:0000732.

Submission:

Labcorp Genetics (formerly Invitae), Labcorp
Classification: Uncertain significance for Charcot-Marie-Tooth Neuropathy X; Combined oxidative phosphorylation deficiency. Last evaluated: 2021-09-24. Review status: criteria provided, single submitter. Criteria: Invitae Variant Classification Sherloc (09022015). Collection method: clinical testing. Allele origin: germline.
Comment: A copy number gain of the genomic region encompassing the full coding sequence of the AIFM1 gene has been identified. The boundaries of this event are unknown as they extend beyond the assayed region for this gene and therefore may encompass additional genes. As the precise location of this event is unknown, it may be in tandem or it may be located elsewhere in the genome. This variant has not been reported in the literature in individuals affected with AIFM1-related conditions. In summary, the available evidence is currently insufficient to determine the role of this variant in disease. Therefore, it has been classified as a Variant of Uncertain Significance.

NC_000023.10:g.(?_129263532)_(129299630_?)dup

Gene: AIFM1 (apoptosis inducing factor mitochondria associated 1; minus strand). Cytogenetic location: Xq26.1.
Variant type: Duplication.
Identifiers: ClinVar variation 2425039 (VCV002425039.3).